The following is an entry in ClinVar:

NM_052844.4(DYNC2I2):c.697G>A (p.Val233Ile)

Gene: DYNC2I2 (dynein 2 intermediate chain 2; minus strand). Cytogenetic location: 9q34.11.
Variant type: single nucleotide variant.
Coding change: c.697G>A on transcript NM_052844.4 (MANE Select); coding-DNA position 697, G replaced by A.
Protein change: p.Val233Ile; replaces valine 233 with isoleucine.
Molecular consequence: missense variant.
Genome position (GRCh38, 1-based): chr9:128,636,287, C>T on the plus strand (G>A on the coding strand, the complement: DYNC2I2 is on the minus strand). VCF-style: chr9-128636287-C-T. GRCh37 (hg19) VCF-style: chr9-131398566-C-T.
Other names: short protein forms V233I.
Identifiers: ClinVar variation 2421417 (VCV002421417.3), dbSNP rs772444402, ClinGen allele CA5266524.
Genomic context (GRCh38, chr9:128,636,287, plus strand): 5'-GGGCGGGAAGCTGAGTCCTGAGAGGAGAGGAGGCGGACACAGCAGGCAGCTCACCTGCGA[C>T]GTGGGAGGGCTGCGTGGGGTGGAAGGCCAGACACAGGACAGCGCTGGGGACCTCCACCAC-3'
Protein context (NP_443076.2, residues 223-243): LAFHPTQPSH[Val233Ile]AGGLYSGEVL

ClinVar aggregate classification (germline): Uncertain significance (1 of 4 stars; one submission).

Conditions:
Short-rib thoracic dysplasia 11 with or without polydactyly (SRTD11). Also called: SHORT-RIB THORACIC DYSPLASIA 11 WITHOUT POLYDACTYLY. Identifiers: Orphanet 474, Orphanet 93271, MedGen C3810200, MONDO:0014287, OMIM 615633.

Allele frequency attached by ClinVar (database versions not stated): gnomAD 0.00001; gnomAD exomes 0.00002; TOPMed 0.00003; ExAC 0.00008.
gnomAD v4.1: 29 of 1,568,764 alleles (0.0018%); highest among the groups gnomAD compares: South Asian, 0.027%; no homozygotes.

Submission:

Labcorp Genetics (formerly Invitae), Labcorp
Classification: Uncertain significance for Short-rib thoracic dysplasia 11 with or without polydactyly. Last evaluated: 2022-09-12. Review status: criteria provided, single submitter. Criteria: Invitae Variant Classification Sherloc (09022015). Collection method: clinical testing. Allele origin: germline.
Comment: This sequence change replaces valine, which is neutral and non-polar, with isoleucine, which is neutral and non-polar, at codon 233 of the WDR34 protein (p.Val233Ile). This variant is present in population databases (rs772444402, gnomAD 0.04%). This variant has not been reported in the literature in individuals affected with WDR34-related conditions. Algorithms developed to predict the effect of missense changes on protein structure and function output the following: SIFT: "Tolerated"; PolyPhen-2: "Benign"; Align-GVGD: "Class C0". The isoleucine amino acid residue is found in multiple mammalian species, which suggests that this missense change does not adversely affect protein function. In summary, the available evidence is currently insufficient to determine the role of this variant in disease. Therefore, it has been classified as a Variant of Uncertain Significance.